The following is an entry in ClinVar:

NM_001139.3(ALOX12B):c.242del (p.Pro81fs)

Gene: ALOX12B (arachidonate 12-lipoxygenase, 12R type; minus strand). Cytogenetic location: 17p13.1.
Variant type: Deletion.
Coding change: c.242del on transcript NM_001139.3 (MANE Select); coding-DNA position 242, one base deleted (C; older notation c.242delC).
Protein change: p.Pro81fs; shifts the reading frame from proline 81.
Molecular consequence: frameshift variant.
Genome position (GRCh38, 1-based): chr17:8,086,126, G deleted on the plus strand (C on the coding strand, the reverse complement: ALOX12B is on the minus strand); the first of 3 consecutive G bases (chr17:8,086,126-8,086,128); deleting any one gives the same sequence. VCF-style (leftmost placement, unchanged base first): chr17-8086125-AG-A. GRCh37 (hg19) VCF-style: chr17-7989443-AG-A.
Other names: c.242del, p.Pro81fs (LRG_1264t1); c.242delC (NM_001139.2); c.242del (NM_001139.2); short protein forms P81fs.
Identifiers: ClinVar variation 265037 (VCV000265037.11), dbSNP rs886039307, ClinGen allele CA10588675.

ClinVar aggregate classification (germline): Pathogenic/Likely pathogenic. Review status: criteria provided, multiple submitters, no conflicts (2 of 4 stars). 3 submissions from 3 submitters: Pathogenic (2); Likely pathogenic (1). Last evaluated 2026-01-15.

Conditions:
Autosomal recessive congenital ichthyosis 2 (ARCI2). Identifiers: Orphanet 281122, Orphanet 79394, MedGen C3888093, MONDO:0009439, OMIM 242100.

Submissions (3):

Labcorp Genetics (formerly Invitae), Labcorp
Classification: Pathogenic. Last evaluated: 2026-01-15. Review status: criteria provided, single submitter. Criteria: Invitae Variant Classification Sherloc (09022015). Collection method: clinical testing. Allele origin: germline.
Comment: This sequence change creates a premature translational stop signal (p.Pro81Leufs*116) in the ALOX12B gene. It is expected to result in an absent or disrupted protein product. Loss-of-function variants in ALOX12B are known to be pathogenic (PMID: 16116617, 23621129, 31046801). This variant is present in population databases (no rsID available, gnomAD 0.002%). This variant has not been reported in the literature in individuals affected with ALOX12B-related conditions. ClinVar contains an entry for this variant (Variation ID: 265037). For these reasons, this variant has been classified as Pathogenic.

Greenwood Genetic Center Diagnostic Laboratories, Greenwood Genetic Center
Classification: Likely pathogenic for Autosomal recessive congenital ichthyosis 2. Last evaluated: 2025-12-03. Review status: criteria provided, single submitter. Criteria: ACMG Guidelines, 2015. Collection method: clinical testing. Allele origin: germline. Affected: yes.
Comment: PVS1, PM2

GeneDx
Classification: Pathogenic. Last evaluated: 2025-03-15. Review status: criteria provided, single submitter. Criteria: GeneDx Variant Classification Process June 2021. Collection method: clinical testing. Allele origin: germline. Affected: yes.
Comment: Reported in an international cohort of individuals with ichthyosis in published literature (PMID: 34851365); Frameshift variant predicted to result in protein truncation or nonsense mediated decay in a gene for which loss of function is a known mechanism of disease; Not observed at significant frequency in large population cohorts (gnomAD); This variant is associated with the following publications: (PMID: 34851365)

Literature cited by the submitters: PubMed 16116617 (cited by Labcorp Genetics (formerly Invitae), Labcorp); PubMed 23621129 (cited by Labcorp Genetics (formerly Invitae), Labcorp); PubMed 31046801 (cited by Labcorp Genetics (formerly Invitae), Labcorp).